The following is an entry in ClinVar:

ClinVar aggregate classification (germline): Conflicting classifications of pathogenicity. Review status: criteria provided, conflicting classifications (1 of 4 stars). 16 submissions from 12 submitters: Uncertain significance (6); Benign (3); Likely benign (6). 1 of the submissions does not count toward it. Last evaluated 2026-09-01.

Conditions:
Dilated cardiomyopathy 1G (CMD1G). Identifiers: Orphanet 154, MedGen C1858763, MONDO:0011400, OMIM 604145.
Autosomal recessive limb-girdle muscular dystrophy type 2J (LGMDR10). Also called: MUSCULAR DYSTROPHY, LIMB-GIRDLE, AUTOSOMAL RECESSIVE 10; Limb-girdle muscular dystrophy, type 2J. Identifiers: Orphanet 140922, MedGen C1837342, MONDO:0012127, OMIM 608807.
Cardiovascular phenotype. Identifiers: MedGen CN230736.
TTN-related disorder. Also called: TTN-related disorders; TTN-related condition; TTN-related disease.
Cardiomyopathy (CMYO). Also called: Cardiomyopathies. Identifiers: Orphanet 167848, MedGen C0878544, MONDO:0004994, HP:0001638. Inheritance: Various modes of inheritance.
Early-onset myopathy with fatal cardiomyopathy (CMYO5). Also called: CONGENITAL MYOPATHY 5 WITH CARDIOMYOPATHY; Salih Myopathy. Identifiers: Orphanet 289377, MedGen C2673677, MONDO:0012714, OMIM 611705. Disease mechanism: loss of function.
Myopathy, myofibrillar, 9, with early respiratory failure (MFM9). Also called: Myopathy, distal, with early respiratory failure, autosomal dominant; Hereditary myopathy with early respiratory failure; MYOPATHY, PROXIMAL, WITH EARLY RESPIRATORY MUSCLE INVOLVEMENT; EDSTROM MYOPATHY. Identifiers: Orphanet 178464, Orphanet 34521, MedGen C1863599, MONDO:0011362, OMIM 603689.
Tibial muscular dystrophy (TMD). Also called: Udd Distal Myopathy – Tibial Muscular Dystrophy; Tibial muscular dystrophy, tardive; UDD MYOPATHY. Identifiers: Orphanet 609, MedGen C1838244, MONDO:0010870, OMIM 600334.

Allele frequency attached by ClinVar (database versions not stated): TOPMed 0.00039; gnomAD 0.00064 and 0.00063; ESP Exome Variant Server 0.00076; 1000 Genomes Project 0.00040; ExAC 0.00091; gnomAD exomes 0.00099 and 0.00078; 1000 Genomes Project 30x 0.00047.
gnomAD v4.1: 1,514 of 1,613,256 alleles (0.094%); highest among the groups gnomAD compares: Non-Finnish European, 0.1%; no homozygotes.

Submissions (16):

CeGaT Center for Human Genetics Tuebingen
Classification: Likely benign. Last evaluated: 2026-09-01. Review status: criteria provided, single submitter. Criteria: CeGaT Center For Human Genetics Tuebingen Variant Classification Criteria Version 2. Collection method: clinical testing. Allele origin: germline. Affected: yes. Observed: 16 variant alleles.
Comment: TTN: PM2:Supporting, BP1, BP4

Labcorp Genetics (formerly Invitae), Labcorp
Classification: Likely benign for Dilated cardiomyopathy 1G; Autosomal recessive limb-girdle muscular dystrophy type 2J. Last evaluated: 2026-01-19. Review status: criteria provided, single submitter. Criteria: Invitae Variant Classification Sherloc (09022015). Collection method: clinical testing. Allele origin: germline.

Blueprint Genetics
Classification: Likely benign. Last evaluated: 2024-10-16. Review status: criteria provided, single submitter. Criteria: ACMG Guidelines, 2015. Collection method: clinical testing. Allele origin: germline.

CHEO Genetics Diagnostic Laboratory, Children's Hospital of Eastern Ontario
Classification: Benign for Cardiomyopathy. Last evaluated: 2021-10-26. Review status: criteria provided, single submitter. Criteria: ACMG Guidelines, 2015. Collection method: clinical testing. Allele origin: germline.

Women's Health and Genetics/Laboratory Corporation of America, LabCorp
Classification: Likely benign. Last evaluated: 2021-07-27. Review status: criteria provided, single submitter. Criteria: LabCorp Variant Classification Summary - May 2015. Collection method: clinical testing. Allele origin: germline.
Comment: Variant summary: TTN c.83897A>T (p.Asp27966Val) results in a non-conservative amino acid change located in the A-band domain of the encoded protein sequence. Four of four in-silico tools predict a damaging effect of the variant on protein function. The variant allele was found at a frequency of 0.00078 in 248122 control chromosomes, predominantly at a frequency of 0.001 within the Non-Finnish European subpopulation in the gnomAD database. The observed variant frequency within Non-Finnish European control individuals in the gnomAD database is approximately 2 fold of the estimated maximal expected allele frequency for a pathogenic variant in TTN causing Cardiomyopathy phenotype (0.00063), strongly suggesting that the variant is a benign polymorphism found primarily in populations of Non-Finnish European origin. c.83897A>T has been reported in the literature in an individual affected with Hypertrophic Cardiomyopathy (HCM). This report however, does not provide unequivocal conclusions about association of the variant with Cardiomyopathy. To our knowledge, no experimental evidence demonstrating an impact on protein function has been reported. Seven ClinVar submitters (evaluation after 2014) cite the variant as benign (n=1), likely benign (n=2) and uncertain significance (n=4). Based on the evidence outlined above, the variant was classified as likely benign.

Ambry Genetics
Classification: Likely benign for Cardiovascular phenotype. Last evaluated: 2018-03-09. Review status: criteria provided, single submitter. Criteria: Ambry Variant Classification Scheme 2023. Collection method: clinical testing. Allele origin: germline.

ARUP Laboratories, Molecular Genetics and Genomics, ARUP Laboratories
Classification: Uncertain significance. Last evaluated: 2018-01-28. Review status: criteria provided, single submitter. Criteria: ARUP Molecular Germline Variant Investigation Process. Collection method: clinical testing. Allele origin: germline.
Comment: The p.Asp27966Val variant (rs182549226) has been previously identified once a in a cohort of 223 hypertrophic cardiomyopathy patient (Lopes 2013). However, this variant is also listed in the Genome Aggregation Database (gnomAD) browser with a frequency in Finnish populations of 0.26% (identified in 66 out of 25,664 chromosomes). The aspartic acid at codon 27966 is highly conserved considering 10 species up to Megabat (Alamut software v2.8.1), and computational analyses suggest this variant has a significant effect on TTN protein structure/function (SIFT: damaging, PolyPhen2: possibly damaging, and Mutation Taster: disease causing). However, based on the available information, the clinical significance of the p.Asp27966Val variant cannot be determined with certainty.

Illumina Laboratory Services, Illumina
Classification: Uncertain significance for Early-onset myopathy with fatal cardiomyopathy. Last evaluated: 2018-01-13. Review status: criteria provided, single submitter. Criteria: ICSL Variant Classification Criteria 13 December 2019. Collection method: clinical testing. Allele origin: germline.

Illumina Laboratory Services, Illumina
Classification: Benign for Myopathy, myofibrillar, 9, with early respiratory failure. Last evaluated: 2018-01-13. Review status: criteria provided, single submitter. Criteria: ICSL Variant Classification Criteria 13 December 2019. Collection method: clinical testing. Allele origin: germline.
Comment: This variant was observed in the ICSL laboratory as part of a predisposition screen in an ostensibly healthy population. It had not been previously curated by ICSL or reported in the Human Gene Mutation Database (HGMD: prior to June 1st, 2018), and was therefore a candidate for classification through an automated scoring system. Utilizing variant allele frequency, disease prevalence and penetrance estimates, and inheritance mode, an automated score was calculated to assess if this variant is too frequent to cause the disease. Based on the score and internal cut-off values, a variant classified as benign is not then subjected to further curation. The score for this variant resulted in a classification of benign for this disease.

Illumina Laboratory Services, Illumina
Classification: Benign for Tibial muscular dystrophy. Last evaluated: 2018-01-13. Review status: criteria provided, single submitter. Criteria: ICSL Variant Classification Criteria 13 December 2019. Collection method: clinical testing. Allele origin: germline.
Comment: the same text as in the submission from Illumina Laboratory Services, Illumina above.

Illumina Laboratory Services, Illumina
Classification: Uncertain significance for Dilated cardiomyopathy 1G. Last evaluated: 2018-01-13. Review status: criteria provided, single submitter. Criteria: ICSL Variant Classification Criteria 13 December 2019. Collection method: clinical testing. Allele origin: germline.

Illumina Laboratory Services, Illumina
Classification: Uncertain significance for Autosomal recessive limb-girdle muscular dystrophy type 2J. Last evaluated: 2018-01-13. Review status: criteria provided, single submitter. Criteria: ICSL Variant Classification Criteria 13 December 2019. Collection method: clinical testing. Allele origin: germline.

GeneDx
Classification: Likely benign. Last evaluated: 2017-08-04. Review status: criteria provided, single submitter. Criteria: GeneDx Variant Classification (06012015). Collection method: clinical testing. Allele origin: germline. Affected: yes.
Comment: This variant is considered likely benign or benign based on one or more of the following criteria: it is a conservative change, it occurs at a poorly conserved position in the protein, it is predicted to be benign by multiple in silico algorithms, and/or has population frequency not consistent with disease.

Eurofins Ntd Llc (ga)
Classification: Uncertain significance. Last evaluated: 2017-01-06. Review status: criteria provided, single submitter. Criteria: EGL Classification Definitions 2015. Collection method: clinical testing. Allele origin: germline. Observed: 5 variant alleles, 4 heterozygotes.

Laboratory for Molecular Medicine, Mass General Brigham Personalized Medicine
Classification: Uncertain significance. Last evaluated: 2014-07-23. Review status: criteria provided, single submitter. Criteria: LMM Criteria. Collection method: clinical testing. Allele origin: germline. Observed: 5 variant alleles.
Comment: The Asp27966Val variant in TTN has been identified by our laboratory in 3 indivi duals (1 adult & 1 infant) with DCM and 1 infant with HCM, and has been seen in 0.1% (9/8164) of European American chromosomes by the NHLBI Exome Sequencing Pro ject (dbSNP rs182549226). Computational predi ction tools and conservation analysis do not provide strong support for or again st an impact to the protein. In summary, the clinical significance of the Asp27 966Val variant is uncertain.

PreventionGenetics, part of Exact Sciences
Classification: Likely benign for TTN-related condition. Last evaluated: 2023-03-29. Review status: no assertion criteria provided. Collection method: clinical testing. Allele origin: germline. Not counted in ClinVar's aggregate classification.
Comment: This variant is classified as likely benign based on ACMG/AMP sequence variant interpretation guidelines (Richards et al. 2015 PMID: 25741868, with internal and published modifications).

Literature cited by the submitters: PubMed 23396983 (cited by Women's Health and Genetics/Laboratory Corporation of America, LabCorp).

NM_001267550.2(TTN):c.91601A>T (p.Asp30534Val)

Genes: TTN (titin; minus strand), TTN-AS1 (TTN antisense RNA 1; plus strand). Cytogenetic location: 2q31.2.
Variant type: single nucleotide variant.
Coding change: c.91601A>T on transcript NM_001267550.2 (MANE Select); coding-DNA position 91601, A replaced by T.
Protein change: p.Asp30534Val; replaces aspartic acid 30534 with valine.
Molecular consequence: missense variant.
Genome position (GRCh38, 1-based): chr2:178,550,237, T>A on the plus strand (A>T on the coding strand, the complement: TTN is on the minus strand). VCF-style: chr2-178550237-T-A. GRCh37 (hg19) VCF-style: chr2-179414964-T-A.
Other names: p.D28893V:GAT>GTT; c.86678A>T, p.Asp28893Val (NM_001256850.1); c.64406A>T, p.Asp21469Val (NM_003319.4); c.83897A>T, p.Asp27966Val (NM_133378.4); c.64781A>T, p.Asp21594Val (NM_133432.3); c.64982A>T, p.Asp21661Val (NM_133437.4); short protein forms D30534V, D27966V, D28893V, D21661V, D21469V, D21594V.
Identifiers: ClinVar variation 47512 (VCV000047512.72), dbSNP rs182549226, ClinGen allele CA141227.
Genomic context (GRCh38, chr2:178,550,237, plus strand): 5'-GGTCTTCCTTGTACCAAAGCTTTAATTCTAAGGCTCTCTCCGGACTTAATAATGAGACCA[T>A]CAAAGTATTCAGGGCCAAACTCTACTATTGGTGGAACTATAAAAGAAAGAGAAATACTAT-3'
Protein context (NP_001254479.2, residues 30524-30544): PIVEFGPEYF[Asp30534Val]GLIIKSGESL